The following is an entry in ClinVar:

ClinVar aggregate classification (germline): Uncertain significance (1 of 4 stars; one submission).

Allele frequency attached by ClinVar (database versions not stated): TOPMed below 0.00001; gnomAD 0.00001.
gnomAD v4.1: 3 of 1,610,836 alleles (0.00019%); highest among the groups gnomAD compares: Non-Finnish European, 0.00025%; no homozygotes.

Submission:

GeneDx
Classification: Uncertain significance. Last evaluated: 2022-01-07. Review status: criteria provided, single submitter. Criteria: GeneDx Variant Classification Process June 2021. Collection method: clinical testing. Allele origin: germline. Affected: yes.
Comment: Not observed at significant frequency in large population cohorts (gnomAD); In silico analysis supports that this missense variant has a deleterious effect on protein structure/function; Has not been previously published as pathogenic or benign to our knowledge

NM_024996.7(GFM1):c.153C>G (p.Ile51Met)

Gene: GFM1 (G elongation factor mitochondrial 1; plus strand). Cytogenetic location: 3q25.32.
Variant type: single nucleotide variant.
Coding change: c.153C>G on transcript NM_024996.7 (MANE Select); coding-DNA position 153, C replaced by G.
Protein change: p.Ile51Met; replaces isoleucine 51 with methionine.
Molecular consequence: missense variant. On other transcripts: 5 prime UTR variant (4), non-coding transcript variant (4).
Genome position (GRCh38, 1-based): chr3:158,645,700, C>G. VCF-style: chr3-158645700-C-G. GRCh37 (hg19) VCF-style: chr3-158363489-C-G.
Other names: c.153C>G, p.Ile51Met (NM_001308164.2, NM_001308166.2, NM_001374355.1 and 2 more transcripts); c.-73C>G (NM_001374357.1); c.-77C>G (NM_001374359.1, NM_001374360.1, NM_001374361.1); short protein forms I51M.
Identifiers: ClinVar variation 1695752 (VCV001695752.2), dbSNP rs1382717856, ClinGen allele CA355175235.